The following is an entry in ClinVar:

NM_152468.5(TMC8):c.1319C>T (p.Ala440Val)

Gene: TMC8 (transmembrane channel like 8; plus strand). Cytogenetic location: 17q25.3.
Variant type: single nucleotide variant.
Coding change: c.1319C>T on transcript NM_152468.5 (MANE Select); coding-DNA position 1319, C replaced by T.
Protein change: p.Ala440Val; replaces alanine 440 with valine.
Molecular consequence: missense variant.
Genome position (GRCh38, 1-based): chr17:78,137,784, C>T. VCF-style: chr17-78137784-C-T. GRCh37 (hg19) VCF-style: chr17-76133865-C-T.
Other names: short protein forms A440V.
Identifiers: ClinVar variation 4685199 (VCV004685199.1).

ClinVar aggregate classification (germline): Uncertain significance (1 of 4 stars; one submission).

Submission:

GeneDx
Classification: Uncertain significance. Last evaluated: 2025-07-10. Review status: criteria provided, single submitter. Criteria: GeneDx Variant Classification Process June 2021. Collection method: clinical testing. Allele origin: germline. Affected: yes.
Comment: Not observed at significant frequency in large population cohorts (gnomAD); In silico analysis supports that this missense variant has a deleterious effect on protein structure/function; Has not been previously published as pathogenic or benign to our knowledge